The following is an entry in ClinVar:

ClinVar aggregate classification (germline): Uncertain significance (3 of 4 stars; one submission).

Conditions:
CYP1B1-related glaucoma with or without anterior segment dysgenesis. Identifiers: MedGen CN375931, MONDO:0800472.

Submission:

ClinGen Glaucoma Variant Curation Expert Panel
Classification: Uncertain significance for CYP1B1-related glaucoma with or without anterior segment dysgenesis. Last evaluated: 2026-10-27. Review status: reviewed by expert panel. Criteria: ClinGen Glaucoma ACMG Specifications CYP1B1 V2.0. Collection method: curation. Allele origin: germline. Inheritance: Autosomal recessive inheritance.
Comment: The c.80T>A variant in CYP1B1 is a missense variant predicted to cause substitution of Leucine by Glutamine at amino acid 27 (p.Leu27Gln). This variant was not found in any genetic ancestry group of gnomAD (v4.1), meeting the ≤ 0.0005 threshold set for PM2_Supporting in a genetic ancestry group of at least 2,000 alleles. This missense variant was not predicted to affect splicing, as assessed with SpliceAI (≤ 0.1) and the REVEL score = 0.364, which was neither above nor below the thresholds for PP3 (≥ 0.644) or BP4 (≤ 0.290), predicting a damaging or benign impact on CYP1B1 function. There was no functional evidence predicting a damaging or benign impact of this variant on CYP1B1 function. This variant has been identified in an individual with a CYP1B1-related phenotype. This individual is compound heterozygous for the variant and a pathogenic variant (phase unknown) (PMID: 31149863). Total proband points = 0.5, meeting PM3_Supporting. In summary, this variant met the criteria to receive a score of 2 and to be classified as a variant of uncertain significance (uncertain significance classification range -1 to 5, adapted from PMID: 32720330) for CYP1B1-related glaucoma with or without anterior segment dysgenesis (ASD) based on the ACMG/AMP criteria met, as specified by the ClinGen Glaucoma VCEP (v2.0, 16.07.2026): PM2_Supporting, PM3_Supporting

NM_000104.4(CYP1B1):c.80T>A (p.Leu27Gln)

Gene: CYP1B1 (cytochrome P450 family 1 subfamily B member 1; minus strand). Cytogenetic location: 2p22.2.
Variant type: single nucleotide variant.
Coding change: c.80T>A on transcript NM_000104.4 (MANE Select); coding-DNA position 80, T replaced by A.
Protein change: p.Leu27Gln; replaces leucine 27 with glutamine.
Molecular consequence: missense variant.
Genome position (GRCh38, 1-based): chr2:38,075,309, A>T on the plus strand (T>A on the coding strand, the complement: CYP1B1 is on the minus strand). VCF-style: chr2-38075309-A-T. GRCh37 (hg19) VCF-style: chr2-38302452-A-T.
Other names: NM_000104.4:c.80T>A; short protein forms L27Q.
Identifiers: ClinVar variation 5037945 (VCV005037945.1).
Genomic context (GRCh38, chr2:38,075,309, plus strand): 5'-AGCTGCCGCCTCCGTTGCCTCAGCAGCCGCTGGCCCACATGCACAGTGGCCAGCACCGAC[A>T]GGAGTAGCAGGAGCGTGGTCTGCTGGATGGACAGCGGGTTTAGCGGCCAAGGGTCGTTCG-3'
Protein context (NP_000095.2, residues 17-37): SIQQTTLLLL[Leu27Gln]SVLATVHVGQ